The following is an entry in ClinVar:

ClinVar aggregate classification (germline): Likely benign. Review status: criteria provided, multiple submitters, no conflicts (2 of 4 stars). 4 submissions from 4 submitters: Likely benign (3). 1 of the submissions does not count toward it. Last evaluated 2025-12-20.

Conditions:
MYORG-related disorder. Also called: MYORG-related condition.

Allele frequency attached by ClinVar (database versions not stated): gnomAD 0.00029; TOPMed 0.00031; gnomAD exomes 0.00033 and 0.00045; ExAC 0.00036; ESP Exome Variant Server 0.00054.
gnomAD v4.1: 699 of 1,612,636 alleles (0.043%); highest among the groups gnomAD compares: Middle Eastern, 0.15%; no homozygotes.

Submissions (4):

Labcorp Genetics (formerly Invitae), Labcorp
Classification: Likely benign. Last evaluated: 2025-12-20. Review status: criteria provided, single submitter. Criteria: Invitae Variant Classification Sherloc (09022015). Collection method: clinical testing. Allele origin: germline.

Blueprint Genetics
Classification: Likely benign. Last evaluated: 2024-11-01. Review status: criteria provided, single submitter. Criteria: ACMG Guidelines, 2015. Collection method: clinical testing. Allele origin: germline.

CeGaT Center for Human Genetics Tuebingen
Classification: Likely benign. Last evaluated: 2022-11-01. Review status: criteria provided, single submitter. Criteria: CeGaT Center For Human Genetics Tuebingen Variant Classification Criteria Version 2. Collection method: clinical testing. Allele origin: germline. Affected: yes. Observed: 1 variant allele.
Comment: MYORG: BP4, BP7

PreventionGenetics, part of Exact Sciences
Classification: Likely benign for MYORG-related condition. Last evaluated: 2020-08-26. Review status: no assertion criteria provided. Collection method: clinical testing. Allele origin: germline. Not counted in ClinVar's aggregate classification.
Comment: This variant is classified as likely benign based on ACMG/AMP sequence variant interpretation guidelines (Richards et al. 2015 PMID: 25741868, with internal and published modifications).

NM_020702.5(MYORG):c.1476G>A (p.Glu492=)

Gene: MYORG (myogenesis regulating glycosidase; minus strand). Cytogenetic location: 9p13.3.
Variant type: single nucleotide variant.
Coding change: c.1476G>A on transcript NM_020702.5 (MANE Select); coding-DNA position 1476, G replaced by A.
Protein change: p.Glu492=; no amino-acid change (glutamic acid 492 retained).
Molecular consequence: synonymous variant.
Genome position (GRCh38, 1-based): chr9:34,371,468, C>T on the plus strand (G>A on the coding strand, the complement: MYORG is on the minus strand). VCF-style: chr9-34371468-C-T. GRCh37 (hg19) VCF-style: chr9-34371466-C-T.
Other names: c.1476G>A (NM_020702.4).
Identifiers: ClinVar variation 1681294 (VCV001681294.34), dbSNP rs377627995, ClinGen allele CA5032916.